The following is an entry in ClinVar:

ClinVar aggregate classification (germline): Likely benign. Review status: criteria provided, multiple submitters, no conflicts (2 of 4 stars). 5 submissions from 5 submitters: Likely benign (3). 2 of the submissions do not count toward it. Last evaluated 2025-11-23.

Conditions:
Desmin-related myofibrillar myopathy (MFM1). Also called: MYOFIBRILLAR MYOPATHY WITH ARRHYTHMOGENIC RIGHT VENTRICULAR CARDIOMYOPATHY; DESMIN-RELATED MYOPATHY WITH ARRHYTHMOGENIC RIGHT VENTRICULAR CARDIOMYOPATHY; Myofibrillar myopathy 1; Desminopathy; Desmin related myopathy (former name); Desmin storage myopathy (former name). Identifiers: Orphanet 363543, Orphanet 98909, MedGen C1832370, MONDO:0011076, OMIM 601419.

Allele frequency attached by ClinVar (database versions not stated): ExAC 0.00001; gnomAD 0.00001; gnomAD exomes 0.00001 and 0.00002; TOPMed 0.00002.
gnomAD v4.1: 31 of 1,614,014 alleles (0.0019%); highest among the groups gnomAD compares: Middle Eastern, 0.049%; no homozygotes.

Submissions (5):

Labcorp Genetics (formerly Invitae), Labcorp
Classification: Likely benign for Desmin-related myofibrillar myopathy. Last evaluated: 2025-11-23. Review status: criteria provided, single submitter. Criteria: Invitae Variant Classification Sherloc (09022015). Collection method: clinical testing. Allele origin: germline.

Blueprint Genetics
Classification: Likely benign. Last evaluated: 2022-06-21. Review status: criteria provided, single submitter. Criteria: ACMG Guidelines, 2015. Collection method: clinical testing. Allele origin: germline.

GeneDx
Classification: Likely benign. Last evaluated: 2016-01-11. Review status: criteria provided, single submitter. Criteria: GeneDx Variant Classification (06012015). Collection method: clinical testing. Allele origin: germline. Affected: yes.
Comment: This variant is considered likely benign or benign based on one or more of the following criteria: it is a conservative change, it occurs at a poorly conserved position in the protein, it is predicted to be benign by multiple in silico algorithms, and/or has population frequency not consistent with disease.

Clinical Genetics DNA and cytogenetics Diagnostics Lab, Erasmus MC, Erasmus Medical Center
Classification: Likely benign. Review status: no assertion criteria provided. Collection method: clinical testing. Allele origin: germline. Affected: yes. Study: VKGL Data-share Consensus. Not counted in ClinVar's aggregate classification.

Clinical Genetics, Academic Medical Center
Classification: Benign. Review status: no assertion criteria provided. Collection method: clinical testing. Allele origin: germline. Affected: yes. Study: VKGL Data-share Consensus. Not counted in ClinVar's aggregate classification.

NM_001927.4(DES):c.640-17C>T

Gene: DES (desmin; plus strand). Cytogenetic location: 2q35.
Variant type: single nucleotide variant.
Coding change: c.640-17C>T on transcript NM_001927.4 (MANE Select); 17 bases into the intron before coding-DNA position 640, C replaced by T.
Molecular consequence: intron variant.
Genome position (GRCh38, 1-based): chr2:219,420,234, C>T. VCF-style: chr2-219420234-C-T. GRCh37 (hg19) VCF-style: chr2-220284956-C-T.
Other names: c.640-17C>T (LRG_380t1).
Identifiers: ClinVar variation 382854 (VCV000382854.10), dbSNP rs762068048, ClinGen allele CA2125111.
Genomic context (GRCh38, chr2:219,420,234, plus strand): 5'-CCCTTGCATGGCCTCTGGCCTTGCTCTGCCCCACCTGGGTGGCGGTGACCATGTCCTTCT[C>T]GCTTGGCCTCTCCCAGGACGTGGATGCAGCTACTCTAGCTCGCATTGACCTGGAGCGCAG-3'